The following is an entry in ClinVar:

NM_000965.5(RARB):c.508A>G (p.Ser170Gly)

Gene: RARB (retinoic acid receptor beta; plus strand). Cytogenetic location: 3p24.2.
Variant type: single nucleotide variant.
Coding change: c.508A>G on transcript NM_000965.5 (MANE Select); coding-DNA position 508, A replaced by G.
Protein change: p.Ser170Gly; replaces serine 170 with glycine.
Molecular consequence: missense variant. On other transcripts: non-coding transcript variant (1).
Genome position (GRCh38, 1-based): chr3:25,569,817, A>G. VCF-style: chr3-25569817-A-G. GRCh37 (hg19) VCF-style: chr3-25611308-A-G.
Other names: c.529A>G, p.Ser177Gly (NM_001290216.3); c.172A>G, p.Ser58Gly (NM_001290217.2, NM_001290276.2, NM_016152.4); c.361A>G, p.Ser121Gly (NM_001290266.2); c.508A>G, p.Ser170Gly (NM_001290277.1); c.379A>G, p.Ser127Gly (NM_001290300.2); short protein forms S121G, S127G, S170G, S177G, S58G.
Identifiers: ClinVar variation 4528159 (VCV004528159.1).

ClinVar aggregate classification (germline): Uncertain significance (1 of 4 stars; one submission).

Submission:

GeneDx
Classification: Uncertain significance. Last evaluated: 2025-05-09. Review status: criteria provided, single submitter. Criteria: GeneDx Variant Classification Process June 2021. Collection method: clinical testing. Allele origin: germline. Affected: yes.
Comment: Not observed at significant frequency in large population cohorts (gnomAD); In silico analysis supports that this missense variant has a deleterious effect on protein structure/function; Has not been previously published as pathogenic or benign to our knowledge